The following is an entry in ClinVar:

ClinVar aggregate classification (germline): Likely benign (1 of 4 stars; one submission).

gnomAD v4.1: 3 of 1,575,486 alleles (0.00019%); highest among the groups gnomAD compares: African/African-American, 0.0027%; no homozygotes.

Submission:

Women's Health and Genetics/Laboratory Corporation of America, LabCorp
Classification: Likely benign. Last evaluated: 2025-01-07. Review status: criteria provided, single submitter. Criteria: LabCorp Variant Classification Summary - May 2015. Collection method: clinical testing. Allele origin: germline.
Comment: Variant summary: FRAS1 c.7522+15G>C alters a non-conserved nucleotide located at a position not widely known to affect splicing. Consensus agreement among computation tools predict no significant impact on normal splicing. However, these predictions have yet to be confirmed by functional studies. The variant was absent in 223270 control chromosomes. The available data on variant occurrences in the general population are insufficient to allow any conclusion about variant significance. To our knowledge, no occurrence of c.7522+15G>C in individuals affected with FRAS1-related conditions and no experimental evidence demonstrating its impact on protein function have been reported. No submitters have cited clinical-significance assessments for this variant to ClinVar. Based on the evidence outlined above, the variant was classified as likely benign.

NM_025074.7(FRAS1):c.7522+15G>C

Gene: FRAS1 (Fraser extracellular matrix complex subunit 1; plus strand). Cytogenetic location: 4q21.21.
Variant type: single nucleotide variant.
Coding change: c.7522+15G>C on transcript NM_025074.7 (MANE Select); 15 bases into the intron after coding-DNA position 7522, G replaced by C.
Molecular consequence: intron variant.
Genome position (GRCh38, 1-based): chr4:78,472,345, G>C. VCF-style: chr4-78472345-G-C. GRCh37 (hg19) VCF-style: chr4-79393499-G-C.
Identifiers: ClinVar variation 3769230 (VCV003769230.2).